The following is an entry in ClinVar:

NM_001370259.2(MEN1):c.1564G>A (p.Val522Ile)

Gene: MEN1 (menin 1; minus strand). Cytogenetic location: 11q13.1.
Variant type: single nucleotide variant.
Coding change: c.1564G>A on transcript NM_001370259.2 (MANE Select); coding-DNA position 1564, G replaced by A.
Protein change: p.Val522Ile; replaces valine 522 with isoleucine.
Molecular consequence: missense variant. On other transcripts: non-coding transcript variant (4).
Genome position (GRCh38, 1-based): chr11:64,804,603, C>T on the plus strand (G>A on the coding strand, the complement: MEN1 is on the minus strand). VCF-style: chr11-64804603-C-T. GRCh37 (hg19) VCF-style: chr11-64572075-C-T.
Other names: c.1579G>A, p.Val527Ile (NM_000244.4, NM_001407145.1, NM_130800.3 and 4 more transcripts); c.1690G>A, p.Val564Ile (NM_001370251.2, NM_001407142.1, NM_001407143.1 and 1 more transcripts); c.1564G>A, p.Val522Ile (NM_001370260.2, NM_001370261.2, NM_001407146.1 and 2 more transcripts); c.1459G>A, p.Val487Ile (NM_001370262.2, NM_001370263.2, NM_001407148.1 and 1 more transcripts); c.1705G>A, p.Val569Ile (NM_001407150.1); c.1585G>A, p.Val529Ile (NM_001407151.1); c.1399G>A, p.Val467Ile (NM_001407152.1); short protein forms V529I, V564I, V467I, V487I, V569I, V527I, V522I.
Identifiers: ClinVar variation 5024283 (VCV005024283.1).

ClinVar aggregate classification (germline): Uncertain significance (1 of 4 stars; one submission).

Conditions:
Hereditary cancer-predisposing syndrome. Also called: Neoplastic Syndromes, Hereditary; Tumor predisposition; Hereditary neoplastic syndrome; Hereditary Cancer Syndrome. Identifiers: Orphanet 140162, MedGen C0027672, MeSH D009386, MONDO:0015356.

Submission:

Ambry Genetics
Classification: Uncertain significance for Hereditary cancer-predisposing syndrome. Last evaluated: 2026-07-06. Review status: criteria provided, single submitter. Criteria: Ambry Variant Classification Scheme 2023. Collection method: clinical testing. Allele origin: germline.
Comment: The p.V522I variant (also known as c.1564G>A), located in coding exon 9 of the MEN1 gene, results from a G to A substitution at nucleotide position 1564. The valine at codon 522 is replaced by isoleucine, an amino acid with highly similar properties. This amino acid position is conserved. In addition, this alteration is predicted to be tolerated by in silico analysis. Based on the available evidence, the clinical significance of this variant remains unclear.